The following is an entry in ClinVar:

NM_001372.4(DNAH9):c.4559C>T (p.Thr1520Ile)

Gene: DNAH9 (dynein axonemal heavy chain 9; plus strand). Cytogenetic location: 17p12.
Variant type: single nucleotide variant.
Coding change: c.4559C>T on transcript NM_001372.4 (MANE Select); coding-DNA position 4559, C replaced by T.
Protein change: p.Thr1520Ile; replaces threonine 1520 with isoleucine.
Molecular consequence: missense variant.
Genome position (GRCh38, 1-based): chr17:11,690,381, C>T. VCF-style: chr17-11690381-C-T. GRCh37 (hg19) VCF-style: chr17-11593698-C-T.
Other names: short protein forms T1520I.
Identifiers: ClinVar variation 3728295 (VCV003728295.2).

ClinVar aggregate classification (germline): Uncertain significance (1 of 4 stars; one submission).

Submission:

Labcorp Genetics (formerly Invitae), Labcorp
Classification: Uncertain significance. Last evaluated: 2024-12-30. Review status: criteria provided, single submitter. Criteria: Invitae Variant Classification Sherloc (09022015). Collection method: clinical testing. Allele origin: germline.
Comment: This sequence change replaces threonine, which is neutral and polar, with isoleucine, which is neutral and non-polar, at codon 1520 of the DNAH9 protein (p.Thr1520Ile). This variant is not present in population databases (gnomAD no frequency). This variant has not been reported in the literature in individuals affected with DNAH9-related conditions. An algorithm developed to predict the effect of missense changes on protein structure and function (PolyPhen-2) suggests that this variant is likely to be tolerated. In summary, the available evidence is currently insufficient to determine the role of this variant in disease. Therefore, it has been classified as a Variant of Uncertain Significance.